The following is an entry in ClinVar:

ClinVar aggregate classification (germline): Uncertain significance (1 of 4 stars; one submission).

Conditions:
Inborn genetic diseases. Identifiers: MedGen C0950123, MeSH D030342.

gnomAD v4.1: 8 of 1,614,022 alleles (0.0005%); highest among the groups gnomAD compares: Non-Finnish European, 0.00068%; no homozygotes.

Submission:

Ambry Genetics
Classification: Uncertain significance for Inborn genetic diseases. Last evaluated: 2025-03-05. Review status: criteria provided, single submitter. Criteria: Ambry Variant Classification Scheme 2023. Collection method: clinical testing. Allele origin: germline.
Comment: The p.F168C variant (also known as c.503T>G), located in coding exon 5 of the BUB1B gene, results from a T to G substitution at nucleotide position 503. The phenylalanine at codon 168 is replaced by cysteine, an amino acid with highly dissimilar properties. This amino acid position is conserved. In addition, this alteration is predicted to be tolerated by in silico analysis. Based on the available evidence, the clinical significance of this variant remains unclear.

NM_001211.6(BUB1B):c.503T>G (p.Phe168Cys)

Gene: BUB1B (BUB1 mitotic checkpoint serine/threonine kinase B; plus strand). Cytogenetic location: 15q15.1.
Variant type: single nucleotide variant.
Coding change: c.503T>G on transcript NM_001211.6 (MANE Select); coding-DNA position 503, T replaced by G.
Protein change: p.Phe168Cys; replaces phenylalanine 168 with cysteine.
Molecular consequence: missense variant.
Genome position (GRCh38, 1-based): chr15:40,176,595, T>G. VCF-style: chr15-40176595-T-G. GRCh37 (hg19) VCF-style: chr15-40468796-T-G.
Other names: short protein forms F168C.
Identifiers: ClinVar variation 3826068 (VCV003826068.1).